The following is an entry in ClinVar:

ClinVar aggregate classification (germline): Likely benign. Review status: criteria provided, multiple submitters, no conflicts (2 of 4 stars). 3 submissions from 3 submitters: Likely benign (3). Last evaluated 2025-07-23.

Conditions:
Hereditary cancer-predisposing syndrome. Also called: Hereditary Cancer Syndrome; Hereditary neoplastic syndrome; Neoplastic Syndromes, Hereditary; Tumor predisposition. Identifiers: Orphanet 140162, MedGen C0027672, MeSH D009386, MONDO:0015356.
Hereditary breast ovarian cancer syndrome. Also called: Hereditary breast and ovarian cancer syndrome; Hereditary breast and ovarian cancer; Breast and ovarian cancer; BRCA1- and BRCA2-Associated Hereditary Breast and Ovarian Cancer; Hereditary breast and/or ovarian cancer syndrome; Hereditary breast and ovarian cancer syndrome (HBOC). Identifiers: Orphanet 145, MedGen C0677776, MeSH D061325, MONDO:0003582. Disease mechanism: loss of function.

Allele frequency attached by ClinVar (database versions not stated): gnomAD exomes below 0.00001; TOPMed 0.00001.
gnomAD v4.1: 2 of 1,541,554 alleles (0.00013%); highest among the groups gnomAD compares: Non-Finnish European, 0.00018%; no homozygotes.

Submissions (3):

Labcorp Genetics (formerly Invitae), Labcorp
Classification: Likely benign for Hereditary breast ovarian cancer syndrome. Last evaluated: 2025-07-23. Review status: criteria provided, single submitter. Criteria: Invitae Variant Classification Sherloc (09022015). Collection method: clinical testing. Allele origin: germline.

Color Diagnostics, LLC DBA Color Health
Classification: Likely benign for Hereditary cancer-predisposing syndrome. Last evaluated: 2017-12-08. Review status: criteria provided, single submitter. Criteria: ACMG Guidelines, 2015. Collection method: clinical testing. Allele origin: germline.

GeneDx
Classification: Likely benign. Last evaluated: 2016-04-03. Review status: criteria provided, single submitter. Criteria: GeneDx Variant Classification (06012015). Collection method: clinical testing. Allele origin: germline. Affected: yes.
Comment: This variant is considered likely benign or benign based on one or more of the following criteria: it is a conservative change, it occurs at a poorly conserved position in the protein, it is predicted to be benign by multiple in silico algorithms, and/or has population frequency not consistent with disease.

NM_000059.4(BRCA2):c.682-9T>C

Gene: BRCA2 (BRCA2 DNA repair associated; plus strand). Cytogenetic location: 13q13.1.
Variant type: single nucleotide variant.
Coding change: c.682-9T>C on transcript NM_000059.4 (MANE Select); 9 bases into the intron before coding-DNA position 682, T replaced by C.
Molecular consequence: intron variant.
Genome position (GRCh38, 1-based): chr13:32,330,910, T>C. VCF-style: chr13-32330910-T-C. GRCh37 (hg19) VCF-style: chr13-32905047-T-C.
Identifiers: ClinVar variation 385298 (VCV000385298.11), dbSNP rs1057522181, ClinGen allele CA16606772.